The following continues an entry in ClinVar:

NM_000277.3(PAH):c.755G>A (p.Arg252Gln)

Gene: PAH. ClinVar aggregate classification (germline): Pathogenic. Pathogenic (1).

Submissions 8 to 12 of 12:

Women's Health and Genetics/Laboratory Corporation of America, LabCorp
Classification: Pathogenic for Phenylketonuria. Last evaluated: 2019-12-09. Review status: criteria provided, single submitter. Criteria: LabCorp Variant Classification Summary - May 2015. Collection method: clinical testing. Allele origin: germline. Not counted in ClinVar's aggregate classification.
Comment: Variant summary: PAH c.755G>A (p.Arg252Gln) results in a conservative amino acid change located in the aromatic amino acid hydroxylase, C-terminal domain (IPR019774) of the encoded protein sequence. Four of five in-silico tools predict a damaging effect of the variant on protein function. The variant allele was found at a frequency of 8e-06 in 251262 control chromosomes. c.755G>A has been reported in the literature in multiple individuals affected with Phenylalanine Hydroxylase Deficiency (Phenylketonuria) (example, Benit_1994, Liang_2014, Li_2018). These data indicate that the variant is very likely to be associated with disease. At least one publication reports experimental evidence evaluating an impact on protein function. The most pronounced variant effect results in categorization as a functionally hemizygous variant with less than 10% of normal activity (Li_2018). Five clinical diagnostic laboratories have submitted clinical-significance assessments for this variant to ClinVar after 2014 without evidence for independent evaluation. All laboratories classified the variant as pathogenic. Based on the evidence outlined above, the variant was classified as pathogenic.

Fulgent Genetics
Classification: Pathogenic for Phenylketonuria. Last evaluated: 2018-10-31. Review status: criteria provided, single submitter. Criteria: ACMG Guidelines, 2015. Collection method: clinical testing. Allele origin: unknown. Not counted in ClinVar's aggregate classification.

Eurofins Ntd Llc (ga)
Classification: Pathogenic. Last evaluated: 2015-04-28. Review status: criteria provided, single submitter. Criteria: EGL Classification Definitions 2015. Collection method: clinical testing. Allele origin: germline. Observed: 5 variant alleles, 5 heterozygotes. Not counted in ClinVar's aggregate classification.

Juno Genomics, Hangzhou Juno Genomics, Inc
Classification: Pathogenic for Phenylketonuria. Review status: criteria provided, single submitter. Criteria: ACMG Guidelines, 2015. Collection method: clinical testing. Allele origin: germline. Affected: yes. Not counted in ClinVar's aggregate classification.
Comment: Absent from controls (or at extremely low frequency if recessive) in Genome Aggregation Database, Exome Sequencing Project, 1000 Genomes Project, or Exome Aggregation Consortium.;Well-established in vitro or in vivo functional studies supportive of a damaging effect on the gene or gene product.;For recessive disorders, detected in trans with a pathogenic variant.;Patient's phenotype or family history is highly specific for a disease with a single genetic etiology.

DeBelle Laboratory for Biochemical Genetics, MUHC/MCH RESEARCH INSTITUTE
No classification provided. Review status: no classification provided. Collection method: not provided. Allele origin: not provided. Not counted in ClinVar's aggregate classification.

Literature cited by the submitters: PubMed 24401910 (cited by 5 submitters); PubMed 7833954 (cited by 4 submitters); PubMed 9634518 (cited by ClinGen PAH Variant Curation Expert Panel and Quest Diagnostics Nichols Institute San Juan Capistrano); PubMed 16256386 (cited by Labcorp Genetics (formerly Invitae), Labcorp); PubMed 23430547 (cited by Labcorp Genetics (formerly Invitae), Labcorp); PubMed 30050108 (cited by 4 submitters); PubMed 11243094 (cited by Labcorp Genetics (formerly Invitae), Labcorp and Quest Diagnostics Nichols Institute San Juan Capistrano); PubMed 17924342 (cited by Labcorp Genetics (formerly Invitae), Labcorp and Quest Diagnostics Nichols Institute San Juan Capistrano); PubMed 21953985 (cited by Labcorp Genetics (formerly Invitae), Labcorp and Quest Diagnostics Nichols Institute San Juan Capistrano); PubMed 2574153 (cited by Labcorp Genetics (formerly Invitae), Labcorp); PubMed 8116675 (cited by Labcorp Genetics (formerly Invitae), Labcorp); PubMed 12655546 (cited by Labcorp Genetics (formerly Invitae), Labcorp); PubMed 17096675 (cited by Labcorp Genetics (formerly Invitae), Labcorp); PubMed 20082265 (cited by Labcorp Genetics (formerly Invitae), Labcorp); PubMed 25596310 (cited by Labcorp Genetics (formerly Invitae), Labcorp); PubMed 36845377 (cited by Quest Diagnostics Nichols Institute San Juan Capistrano); PubMed 36787440 (cited by Quest Diagnostics Nichols Institute San Juan Capistrano); PubMed 36646061 (cited by Quest Diagnostics Nichols Institute San Juan Capistrano); PubMed 36849017 (cited by Quest Diagnostics Nichols Institute San Juan Capistrano); PubMed 36104584 (cited by Quest Diagnostics Nichols Institute San Juan Capistrano); PubMed 35869558 (cited by Quest Diagnostics Nichols Institute San Juan Capistrano); PubMed 8069318 (cited by Women's Health and Genetics/Laboratory Corporation of America, LabCorp).